The following is an entry in ClinVar:

ClinVar aggregate classification (germline): Uncertain significance. Review status: criteria provided, multiple submitters, no conflicts (2 of 4 stars). 2 submissions from 2 submitters: Uncertain significance (2). Last evaluated 2025-09-25.

Conditions:
Spermatogenic failure 18. Identifiers: MedGen C4539783, MONDO:0054615, OMIM 617576.
Ciliary dyskinesia, primary, 37 (CILD37). Also called: CILIARY DYSKINESIA, PRIMARY, 37, WITH OR WITHOUT SITUS INVERSUS. Identifiers: MedGen C4539798, MONDO:0033204, OMIM 617577.

Allele frequency attached by ClinVar (database versions not stated): TOPMed 0.00002; ExAC 0.00003; gnomAD exomes 0.00004 and 0.00002.

Submissions (2):

Labcorp Genetics (formerly Invitae), Labcorp
Classification: Uncertain significance for Ciliary dyskinesia, primary, 37; Spermatogenic failure 18. Last evaluated: 2025-09-25. Review status: criteria provided, single submitter. Criteria: Invitae Variant Classification Sherloc (09022015). Collection method: clinical testing. Allele origin: germline.
Comment: This sequence change replaces valine, which is neutral and non-polar, with methionine, which is neutral and non-polar, at codon 633 of the DNAH1 protein (p.Val633Met). This variant is present in population databases (rs770231874, gnomAD 0.02%). This variant has not been reported in the literature in individuals affected with DNAH1-related conditions. ClinVar contains an entry for this variant (Variation ID: 569952). An algorithm developed to predict the effect of missense changes on protein structure and function (PolyPhen-2) suggests that this variant is likely to be tolerated. In summary, the available evidence is currently insufficient to determine the role of this variant in disease. Therefore, it has been classified as a Variant of Uncertain Significance.

Breakthrough Genomics
Classification: Uncertain significance. Review status: criteria provided, single submitter. Criteria: ACMG Guidelines, 2015. Collection method: not provided. Allele origin: germline. Inheritance: Autosomal recessive inheritance. Affected: yes.

NM_015512.5(DNAH1):c.1897G>A (p.Val633Met)

Gene: DNAH1 (dynein axonemal heavy chain 1; plus strand). Cytogenetic location: 3p21.1.
Variant type: single nucleotide variant.
Coding change: c.1897G>A on transcript NM_015512.5 (MANE Select); coding-DNA position 1897, G replaced by A.
Protein change: p.Val633Met; replaces valine 633 with methionine.
Molecular consequence: missense variant.
Genome position (GRCh38, 1-based): chr3:52,346,712, G>A. VCF-style: chr3-52346712-G-A. GRCh37 (hg19) VCF-style: chr3-52380728-G-A.
Other names: short protein forms V633M.
Identifiers: ClinVar variation 569952 (VCV000569952.5), dbSNP rs770231874, ClinGen allele CA2433075.